The following is an entry in ClinVar:

NM_000135.4(FANCA):c.423_426+14del

Gene: FANCA (FA complementation group A; minus strand). Cytogenetic location: 16q24.3.
Variant type: Deletion.
Coding change: c.423_426+14del on transcript NM_000135.4 (MANE Select); coding-DNA position 423 through 14 bases into the intron after coding-DNA position 426, 18 bases deleted (GAGAGTAAGACACCAGCA).
Molecular consequence: splice donor variant.
Genome position (GRCh38, 1-based): chr16:89,810,915-89,810,932, TGCTGGTGTCTTACTCTC deleted on the plus strand (GAGAGTAAGACACCAGCA on the coding strand, the reverse complement: FANCA is on the minus strand); deleting any 18 consecutive bases within chr16:89,810,915-89,810,936 gives the same sequence; the c. name uses the placement nearest the transcript's 3' end. VCF-style (leftmost placement, unchanged base first): chr16-89810914-TTGCTGGTGTCTTACTCTC-T. GRCh37 (hg19) VCF-style: chr16-89877322-TTGCTGGTGTCTTACTCTC-T.
Other names: c.423_426+14del (NM_001286167.3, NM_001351830.2, NM_001018112.3).
Identifiers: ClinVar variation 1499585 (VCV001499585.6), dbSNP rs2143678941, ClinGen allele CA2573152818.
Genomic context (GRCh38, chr16:89,810,914, plus strand): 5'-AAAGCTATGTCCTATTTTCCCAACCAGCTTAAAAGTAACAACGGGCAGGTTTCCTCATCT[TTGCTGGTGTCTTACTCTC>T]TGCTCCACAGTCAGCAGCACAGGGTGACTGGTCTCCGCTGGAGCCGTGCAGATCTGTCCC-3'

ClinVar aggregate classification (germline): Likely pathogenic (1 of 4 stars; one submission).

Conditions:
Fanconi anemia (FA). Also called: Fanconi's anemia. Identifiers: Orphanet 84, MedGen C0015625, MeSH D005199, MONDO:0019391.

Submission:

Labcorp Genetics (formerly Invitae), Labcorp
Classification: Likely pathogenic for Fanconi anemia. Last evaluated: 2023-05-19. Review status: criteria provided, single submitter. Criteria: Invitae Variant Classification Sherloc (09022015). Collection method: clinical testing. Allele origin: germline.
Comment: This variant is not present in population databases (gnomAD no frequency). This variant results in the deletion of part of exon 4 (c.423_426+14del) of the FANCA gene. It is expected to disrupt RNA splicing. Variants that disrupt the donor or acceptor splice site typically lead to a loss of protein function (PMID: 16199547), and loss-of-function variants in FANCA are known to be pathogenic (PMID: 19367192). In summary, the currently available evidence indicates that the variant is pathogenic, but additional data are needed to prove that conclusively. Therefore, this variant has been classified as Likely Pathogenic. Algorithms developed to predict the effect of sequence changes on RNA splicing suggest that this variant may disrupt the consensus splice site. ClinVar contains an entry for this variant (Variation ID: 1499585). This variant has not been reported in the literature in individuals affected with FANCA-related conditions.

Literature cited by the submitters: PubMed 16199547; PubMed 19367192.